The following is an entry in ClinVar:

NM_004006.3(DMD):c.960+50del

Gene: DMD (dystrophin; minus strand). Cytogenetic location: Xp21.1.
Variant type: Deletion.
Coding change: c.960+50del on transcript NM_004006.3 (MANE Select); 50 bases into the intron after coding-DNA position 960, one base deleted (G; older notation c.960+50delG).
Molecular consequence: intron variant.
Genome position (GRCh38, 1-based): chrX:32,697,820, C deleted on the plus strand (G on the coding strand, the reverse complement: DMD is on the minus strand). VCF-style (leftmost placement, unchanged base first): chrX-32697819-TC-T. GRCh37 (hg19) VCF-style: chrX-32715936-TC-T.
Other names: c.936+50del (NM_000109.4); c.948+50del (NM_004009.3); c.591+50del (NM_004010.3); c.960+50delG (NM_004006.2).
Identifiers: ClinVar variation 94848 (VCV000094848.6), dbSNP rs72470512, ClinGen allele CA147867.

ClinVar aggregate classification (germline): Benign. Review status: criteria provided, multiple submitters, no conflicts (2 of 4 stars). 3 submissions from 3 submitters: Benign (2). 1 of the submissions does not count toward it. Last evaluated 2018-06-14.

Conditions:
Dystrophin deficiency.

Allele frequency attached by ClinVar (database versions not stated): gnomAD exomes 0.00555 and 0.01642; ExAC 0.02120; 1000 Genomes Project 0.05007; 1000 Genomes Project 30x 0.05224; gnomAD 0.05575 and 0.05999; TOPMed 0.06636; ESP Exome Variant Server 0.07251.

Submissions (3):

GeneDx
Classification: Benign. Last evaluated: 2018-06-14. Review status: criteria provided, single submitter. Criteria: GeneDx Variant Classification (06012015). Collection method: clinical testing. Allele origin: germline. Affected: yes.
Comment: This variant is considered likely benign or benign based on one or more of the following criteria: it is a conservative change, it occurs at a poorly conserved position in the protein, it is predicted to be benign by multiple in silico algorithms, and/or has population frequency not consistent with disease.

Eurofins Ntd Llc (ga)
Classification: Benign. Last evaluated: 2014-02-10. Review status: criteria provided, single submitter. Criteria: EGL Classification Definitions 2015. Collection method: clinical testing. Allele origin: germline. Observed: 12 variant alleles, 3 heterozygotes, 2 homozygotes, 7 hemizygotes.

Natera, Inc.
Classification: Benign for Dystrophin deficiency. Last evaluated: 2020-09-16. Review status: no assertion criteria provided. Collection method: clinical testing. Allele origin: germline. Not counted in ClinVar's aggregate classification.